The following is an entry in ClinVar:

ClinVar aggregate classification (germline): Uncertain significance. Review status: criteria provided, multiple submitters, no conflicts (2 of 4 stars). 2 submissions from 2 submitters: Uncertain significance (2). Last evaluated 2026-06-10.

Conditions:
Hereditary cancer-predisposing syndrome. Also called: Neoplastic Syndromes, Hereditary; Tumor predisposition; Hereditary Cancer Syndrome; Hereditary neoplastic syndrome. Identifiers: Orphanet 140162, MedGen C0027672, MeSH D009386, MONDO:0015356.
Tuberous sclerosis 1 (TSC1). Identifiers: Orphanet 805, MedGen C1854465, MONDO:0008612, OMIM 191100.

Allele frequency attached by ClinVar (database versions not stated): gnomAD exomes below 0.00001.
gnomAD v4.1: 1 of 1,614,176 alleles (0.000062%); highest among the groups gnomAD compares: Non-Finnish European, 0.000085%; no homozygotes.

Submissions (2):

Ambry Genetics
Classification: Uncertain significance for Hereditary cancer-predisposing syndrome. Last evaluated: 2026-06-10. Review status: criteria provided, single submitter. Criteria: Ambry Variant Classification Scheme 2023. Collection method: clinical testing. Allele origin: germline.
Comment: The p.E991G variant (also known as c.2972A>G), located in coding exon 20 of the TSC1 gene, results from an A to G substitution at nucleotide position 2972. The glutamic acid at codon 991 is replaced by glycine, an amino acid with similar properties. This amino acid position is conserved. In addition, the in silico prediction for this alteration is inconclusive. Based on the available evidence, the clinical significance of this variant remains unclear.

Labcorp Genetics (formerly Invitae), Labcorp
Classification: Uncertain significance for Tuberous sclerosis 1. Last evaluated: 2022-05-28. Review status: criteria provided, single submitter. Criteria: Invitae Variant Classification Sherloc (09022015). Collection method: clinical testing. Allele origin: germline.
Comment: Algorithms developed to predict the effect of missense changes on protein structure and function are either unavailable or do not agree on the potential impact of this missense change (SIFT: "Deleterious"; PolyPhen-2: "Benign"; Align-GVGD: "Class C0"). In summary, the available evidence is currently insufficient to determine the role of this variant in disease. Therefore, it has been classified as a Variant of Uncertain Significance. This variant has not been reported in the literature in individuals affected with TSC1-related conditions. This variant is not present in population databases (gnomAD no frequency). This sequence change replaces glutamic acid, which is acidic and polar, with glycine, which is neutral and non-polar, at codon 991 of the TSC1 protein (p.Glu991Gly).

NM_000368.5(TSC1):c.2972A>G (p.Glu991Gly)

Gene: TSC1 (TSC complex subunit 1; minus strand). Cytogenetic location: 9q34.13.
Variant type: single nucleotide variant.
Coding change: c.2972A>G on transcript NM_000368.5 (MANE Select); coding-DNA position 2972, A replaced by G.
Protein change: p.Glu991Gly; replaces glutamic acid 991 with glycine.
Molecular consequence: missense variant.
Genome position (GRCh38, 1-based): chr9:132,897,187, T>C on the plus strand (A>G on the coding strand, the complement: TSC1 is on the minus strand). VCF-style: chr9-132897187-T-C. GRCh37 (hg19) VCF-style: chr9-135772574-T-C.
Other names: c.2969A>G, p.Glu990Gly (NM_001162426.2, NM_001406597.1, NM_001406598.1 and 2 more transcripts); c.2819A>G, p.Glu940Gly (NM_001162427.2, NM_001406610.1); c.2609A>G, p.Glu870Gly (NM_001362177.2, NM_001406614.1, NM_001406615.1 and 4 more transcripts); c.2972A>G, p.Glu991Gly (NM_001406592.1, NM_001406593.1, NM_001406594.1 and 2 more transcripts); c.2957A>G, p.Glu986Gly (NM_001406601.1, NM_001406602.1); c.2954A>G, p.Glu985Gly (NM_001406603.1, NM_001406604.1); c.2930A>G, p.Glu977Gly (NM_001406605.1, NM_001406606.1, NM_001406607.1); c.2927A>G, p.Glu976Gly (NM_001406608.1, NM_001406609.1); and 8 more; short protein forms E640G, E673G, E976G, E977G, E856G, E925G, E855G, E869G.
Identifiers: ClinVar variation 2000153 (VCV002000153.5), dbSNP rs2538473450, ClinGen allele CA375368208.